The following is an entry in ClinVar:

ClinVar aggregate classification (germline): Uncertain significance (1 of 4 stars; one submission).

Conditions:
Arrhythmogenic right ventricular cardiomyopathy (ARVD). Also called: Arrhythmogenic right ventricular dysplasia; Cardiomyopathy, ARVC; Arrhythmogenic cardiomyopathy; Arrhythmogenic Right Ventricular Cardiomyopathy (ARVC). Identifiers: Orphanet 247, MedGen C0349788, MeSH D019571, MONDO:0016587. Disease mechanism: loss of function. Inheritance: Various modes of inheritance.

gnomAD v4.1: 2 of 1,613,624 alleles (0.00012%); highest among the groups gnomAD compares: Non-Finnish European, 0.00017%; no homozygotes.

Submission:

All of Us Research Program, National Institutes of Health
Classification: Uncertain significance for Arrhythmogenic right ventricular cardiomyopathy. Last evaluated: 2024-03-24. Review status: criteria provided, single submitter. Criteria: ACMG Guidelines, 2015. Collection method: clinical testing. Allele origin: germline. Inheritance: Autosomal dominant inheritance. Observed: 1 variant allele, 1 heterozygote.
Comment: This missense variant replaces threonine with asparagine at codon 223 of the DSG2 protein. Computational prediction suggests that this variant may not impact protein structure and function (internally defined REVEL score threshold <= 0.5, PMID: 27666373). To our knowledge, functional studies have not been reported for this variant. This variant has not been reported in individuals affected with DSG2-related disorders in the literature. This variant has not been identified in the general population by the Genome Aggregation Database (gnomAD). The available evidence is insufficient to determine the role of this variant in disease conclusively. Therefore, this variant is classified as a Variant of Uncertain Significance.

This study involves interpretation of variants in research participants for the purpose of population health screening. Participant phenotype was not available at the time of variant classification. Additional details can be found in publication PMID: 35346344, PMCID: PMC8962531

NM_001943.5(DSG2):c.668C>A (p.Thr223Asn)

Gene: DSG2 (desmoglein 2; plus strand). Cytogenetic location: 18q12.1.
Variant type: single nucleotide variant.
Coding change: c.668C>A on transcript NM_001943.5 (MANE Select); coding-DNA position 668, C replaced by A.
Protein change: p.Thr223Asn; replaces threonine 223 with asparagine.
Molecular consequence: missense variant.
Genome position (GRCh38, 1-based): chr18:31,522,227, C>A. VCF-style: chr18-31522227-C-A. GRCh37 (hg19) VCF-style: chr18-29102190-C-A.
Other names: short protein forms T223N.
Identifiers: ClinVar variation 3386576 (VCV003386576.1).